The following is an entry in ClinVar:

ClinVar aggregate classification (germline): Likely benign (0 of 4 stars; one submission).

Conditions:
LGI3-related disorder. Also called: LGI3-related condition.

Allele frequency attached by ClinVar (database versions not stated): ESP Exome Variant Server 0.00008; gnomAD 0.00024; TOPMed 0.00025; ExAC 0.00036; 1000 Genomes Project 0.00060; 1000 Genomes Project 30x 0.00094.

Submission:

PreventionGenetics, part of Exact Sciences
Classification: Likely benign for LGI3-related condition. Last evaluated: 2019-06-13. Review status: no assertion criteria provided. Collection method: clinical testing. Allele origin: germline.
Comment: This variant is classified as likely benign based on ACMG/AMP sequence variant interpretation guidelines (Richards et al. 2015 PMID: 25741868, with internal and published modifications).

NM_139278.4(LGI3):c.1197C>T (p.Pro399=)

Gene: LGI3 (leucine rich repeat LGI family member 3; minus strand). Cytogenetic location: 8p21.3.
Variant type: single nucleotide variant.
Coding change: c.1197C>T on transcript NM_139278.4 (MANE Select); coding-DNA position 1197, C replaced by T.
Protein change: p.Pro399=; no amino-acid change (proline 399 retained).
Molecular consequence: synonymous variant.
Genome position (GRCh38, 1-based): chr8:22,148,610, G>A on the plus strand (C>T on the coding strand, the complement: LGI3 is on the minus strand). VCF-style: chr8-22148610-G-A. GRCh37 (hg19) VCF-style: chr8-22006123-G-A.
Identifiers: ClinVar variation 3034357 (VCV003034357.2), dbSNP rs201271501, ClinGen allele CA4663371.